The following is an entry in ClinVar:

NM_005869.4(CWC27):c.757G>A (p.Gly253Ser)

Gene: CWC27 (CWC27 spliceosome associated cyclophilin; plus strand). Cytogenetic location: 5q12.3.
Variant type: single nucleotide variant.
Coding change: c.757G>A on transcript NM_005869.4 (MANE Select); coding-DNA position 757, G replaced by A.
Protein change: p.Gly253Ser; replaces glycine 253 with serine.
Molecular consequence: missense variant.
Genome position (GRCh38, 1-based): chr5:64,801,309, G>A. VCF-style: chr5-64801309-G-A. GRCh37 (hg19) VCF-style: chr5-64097136-G-A.
Other names: c.757G>A, p.Gly253Ser (NM_001297644.1, NM_001297645.2, NM_001318000.2 and 1 more transcripts); short protein forms G253S.
Identifiers: ClinVar variation 1965800 (VCV001965800.3), dbSNP rs1173698643, ClinGen allele CA359832574.

ClinVar aggregate classification (germline): Uncertain significance (1 of 4 stars; one submission).

Allele frequency attached by ClinVar (database versions not stated): gnomAD exomes below 0.00001.

Submission:

Labcorp Genetics (formerly Invitae), Labcorp
Classification: Uncertain significance. Last evaluated: 2022-08-16. Review status: criteria provided, single submitter. Criteria: Invitae Variant Classification Sherloc (09022015). Collection method: clinical testing. Allele origin: germline.
Comment: In summary, the available evidence is currently insufficient to determine the role of this variant in disease. Therefore, it has been classified as a Variant of Uncertain Significance. Algorithms developed to predict the effect of missense changes on protein structure and function (SIFT, PolyPhen-2, Align-GVGD) all suggest that this variant is likely to be tolerated. This variant has not been reported in the literature in individuals affected with CWC27-related conditions. This variant is not present in population databases (gnomAD no frequency). This sequence change replaces glycine, which is neutral and non-polar, with serine, which is neutral and polar, at codon 253 of the CWC27 protein (p.Gly253Ser).